The following is an entry in ClinVar:

NM_004863.4(SPTLC2):c.955A>G (p.Ser319Gly)

Gene: SPTLC2 (serine palmitoyltransferase long chain base subunit 2; minus strand). Cytogenetic location: 14q24.3.
Variant type: single nucleotide variant.
Coding change: c.955A>G on transcript NM_004863.4 (MANE Select); coding-DNA position 955, A replaced by G.
Protein change: p.Ser319Gly; replaces serine 319 with glycine.
Molecular consequence: missense variant.
Genome position (GRCh38, 1-based): chr14:77,557,042, T>C on the plus strand (A>G on the coding strand, the complement: SPTLC2 is on the minus strand). VCF-style: chr14-77557042-T-C. GRCh37 (hg19) VCF-style: chr14-78023385-T-C.
Other names: short protein forms S319G.
Identifiers: ClinVar variation 3650234 (VCV003650234.2).

ClinVar aggregate classification (germline): Uncertain significance (1 of 4 stars; one submission).

Conditions:
Neuropathy, hereditary sensory and autonomic, type 1C. Also called: HSAN IC; HSN IC. Identifiers: Orphanet 36386, MedGen C3150896, MONDO:0013337, OMIM 613640.

Submission:

Labcorp Genetics (formerly Invitae), Labcorp
Classification: Uncertain significance for Neuropathy, hereditary sensory and autonomic, type 1C. Last evaluated: 2024-04-17. Review status: criteria provided, single submitter. Criteria: Invitae Variant Classification Sherloc (09022015). Collection method: clinical testing. Allele origin: germline.
Comment: This sequence change replaces serine, which is neutral and polar, with glycine, which is neutral and non-polar, at codon 319 of the SPTLC2 protein (p.Ser319Gly). This variant is not present in population databases (gnomAD no frequency). This variant has not been reported in the literature in individuals affected with SPTLC2-related conditions. An algorithm developed to predict the effect of missense changes on protein structure and function (PolyPhen-2) suggests that this variant is likely to be disruptive. In summary, the available evidence is currently insufficient to determine the role of this variant in disease. Therefore, it has been classified as a Variant of Uncertain Significance.